The following is an entry in ClinVar:

ClinVar aggregate classification (germline): Likely pathogenic. Review status: criteria provided, multiple submitters, no conflicts (2 of 4 stars). 2 submissions from 2 submitters: Likely pathogenic (2). Last evaluated 2025-05-01.

Allele frequency attached by ClinVar (database versions not stated): gnomAD exomes below 0.00001; TOPMed below 0.00001; gnomAD 0.00001.
gnomAD v4.1: 2 of 1,614,036 alleles (0.00012%); highest among the groups gnomAD compares: Non-Finnish European, 0.00017%; no homozygotes.

Submissions (2):

CeGaT Center for Human Genetics Tuebingen
Classification: Likely pathogenic. Last evaluated: 2025-05-01. Review status: criteria provided, single submitter. Criteria: CeGaT Center For Human Genetics Tuebingen Variant Classification Criteria Version 2. Collection method: clinical testing. Allele origin: germline. Affected: yes. Observed: 1 variant allele.
Comment: ABCA4: PM1, PM2, PM3, PM5, PP3

Labcorp Genetics (formerly Invitae), Labcorp
Classification: Likely pathogenic. Last evaluated: 2023-08-17. Review status: criteria provided, single submitter. Criteria: Invitae Variant Classification Sherloc (09022015). Collection method: clinical testing. Allele origin: germline.
Comment: This sequence change replaces cysteine, which is neutral and slightly polar, with tyrosine, which is neutral and polar, at codon 75 of the ABCA4 protein (p.Cys75Tyr). This variant is not present in population databases (gnomAD no frequency). In summary, the currently available evidence indicates that the variant is pathogenic, but additional data are needed to prove that conclusively. Therefore, this variant has been classified as Likely Pathogenic. This variant disrupts the p.Cys75 amino acid residue in ABCA4. Other variant(s) that disrupt this residue have been determined to be pathogenic (PMID: 9973280, 23982839, 30093795). This suggests that this residue is clinically significant, and that variants that disrupt this residue are likely to be disease-causing. Advanced modeling of protein sequence and biophysical properties (such as structural, functional, and spatial information, amino acid conservation, physicochemical variation, residue mobility, and thermodynamic stability) performed at Invitae indicates that this missense variant is expected to disrupt ABCA4 protein function. This missense change has been observed in individual(s) with ABCA4-related conditions (Invitae).

Literature cited by the submitters: PubMed 9973280 (cited by Labcorp Genetics (formerly Invitae), Labcorp); PubMed 23982839 (cited by Labcorp Genetics (formerly Invitae), Labcorp); PubMed 30093795 (cited by Labcorp Genetics (formerly Invitae), Labcorp).

NM_000350.3(ABCA4):c.224G>A (p.Cys75Tyr)

Gene: ABCA4 (ATP binding cassette subfamily A member 4; minus strand). Cytogenetic location: 1p22.1.
Variant type: single nucleotide variant.
Coding change: c.224G>A on transcript NM_000350.3 (MANE Select); coding-DNA position 224, G replaced by A.
Protein change: p.Cys75Tyr; replaces cysteine 75 with tyrosine.
Molecular consequence: missense variant.
Genome position (GRCh38, 1-based): chr1:94,111,516, C>T on the plus strand (G>A on the coding strand, the complement: ABCA4 is on the minus strand). VCF-style: chr1-94111516-C-T. GRCh37 (hg19) VCF-style: chr1-94577072-C-T.
Other names: c.224G>A, p.Cys75Tyr (NM_001425324.1); short protein forms C75Y.
Identifiers: ClinVar variation 2789051 (VCV002789051.13), dbSNP rs1264338576, ClinGen allele CA341285515.